The following is an entry in ClinVar:

ClinVar aggregate classification (germline): Pathogenic (1 of 4 stars; one submission).

Conditions:
Hereditary cancer-predisposing syndrome. Also called: Neoplastic Syndromes, Hereditary; Tumor predisposition; Hereditary neoplastic syndrome; Hereditary Cancer Syndrome. Identifiers: Orphanet 140162, MedGen C0027672, MeSH D009386, MONDO:0015356.

Submission:

Ambry Genetics
Classification: Pathogenic for Hereditary cancer-predisposing syndrome. Last evaluated: 2026-07-21. Review status: criteria provided, single submitter. Criteria: Ambry Variant Classification Scheme 2023. Collection method: clinical testing. Allele origin: germline.
Comment: The p.S869* pathogenic mutation (also known as c.2606C>A), located in coding exon 10 of the BRCA2 gene, results from a C to A substitution at nucleotide position 2606. This changes the amino acid from a serine to a stop codon within coding exon 10. This variant is considered to be rare based on population cohorts in the Genome Aggregation Database (gnomAD). This alteration is expected to result in loss of function by premature protein truncation or nonsense-mediated mRNA decay. As such, this alteration is interpreted as a disease-causing mutation.

NM_000059.4(BRCA2):c.2606C>A (p.Ser869Ter)

Gene: BRCA2 (BRCA2 DNA repair associated; plus strand). Cytogenetic location: 13q13.1.
Variant type: single nucleotide variant.
Coding change: c.2606C>A on transcript NM_000059.4 (MANE Select); coding-DNA position 2606, C replaced by A.
Protein change: p.Ser869Ter; replaces serine 869 with a stop codon.
Molecular consequence: nonsense. On other transcripts: non-coding transcript variant (1), intron variant (2).
Genome position (GRCh38, 1-based): chr13:32,336,961, C>A. VCF-style: chr13-32336961-C-A. GRCh37 (hg19) VCF-style: chr13-32911098-C-A.
Other names: c.2606C>A, p.Ser869Ter (NM_001432077.1, NM_001406719.1, NM_001406720.1); c.1909+3574C>A (NM_001406721.1); c.424+5931C>A (NM_001406722.1); short protein forms S869*.
Identifiers: ClinVar variation 5033317 (VCV005033317.1).